The following is an entry in ClinVar:

NM_000020.3(ACVRL1):c.1031G>A (p.Cys344Tyr)

Gene: ACVRL1 (activin A receptor like type 1; plus strand). Cytogenetic location: 12q13.13.
Variant type: single nucleotide variant.
Coding change: c.1031G>A on transcript NM_000020.3 (MANE Select); coding-DNA position 1031, G replaced by A.
Protein change: p.Cys344Tyr; replaces cysteine 344 with tyrosine.
Molecular consequence: missense variant.
Genome position (GRCh38, 1-based): chr12:51,915,483, G>A. VCF-style: chr12-51915483-G-A. GRCh37 (hg19) VCF-style: chr12-52309267-G-A.
Other names: c.1031G>A, p.Cys344Tyr (NM_001077401.2); short protein forms C344Y.
Identifiers: ClinVar variation 8254 (VCV000008254.35), dbSNP rs28936688, ClinGen allele CA119408.

ClinVar aggregate classification (germline): Pathogenic. Review status: criteria provided, multiple submitters, no conflicts (2 of 4 stars). 10 submissions from 9 submitters: Pathogenic (8). 2 of the submissions do not count toward it. Last evaluated 2025-12-08.

Conditions:
Cardiovascular phenotype. Identifiers: MedGen CN230736.
Pulmonary arterial hypertension related to hereditary hemorrhagic telangiectasia. Also called: PULMONARY ARTERIAL HYPERTENSION, HEREDITARY HEMORRHAGIC TELANGIECTASIA-RELATED. Identifiers: MedGen C1832529.
Telangiectasia, hereditary hemorrhagic, type 2 (HHT2). Also called: ACVRL1-Related Hereditary Hemorrhagic Telangiectasia; Telangiectasia, hereditary hemorrhagic, type II. Identifiers: Orphanet 774, MedGen C1838163, MONDO:0010880, OMIM 600376. Disease mechanism: loss of function.

Allele frequency attached by ClinVar (database versions not stated): gnomAD exomes below 0.00001.
gnomAD v4.1: 1 of 1,608,420 alleles (0.000062%); highest among the groups gnomAD compares: Non-Finnish European, 0.000085%; no homozygotes.

Submissions (10):

Labcorp Genetics (formerly Invitae), Labcorp
Classification: Pathogenic for Telangiectasia, hereditary hemorrhagic, type 2. Last evaluated: 2025-12-08. Review status: criteria provided, single submitter. Criteria: Invitae Variant Classification Sherloc (09022015). Collection method: clinical testing. Allele origin: germline.
Comment: This sequence change replaces cysteine, which is neutral and slightly polar, with tyrosine, which is neutral and polar, at codon 344 of the ACVRL1 protein (p.Cys344Tyr). This variant is not present in population databases (gnomAD no frequency). This missense change has been observed in individuals with hereditary hemorrhagic telangiectasia (PMID: 10767348, 12114496, 14684682, 15880681, 16540754, 16542389, 17384219). ClinVar contains an entry for this variant (Variation ID: 8254). Invitae Evidence Modeling of protein sequence and biophysical properties (such as structural, functional, and spatial information, amino acid conservation, physicochemical variation, residue mobility, and thermodynamic stability) indicates that this missense variant is expected to disrupt ACVRL1 protein function with a positive predictive value of 95%. Experimental studies have shown that this missense change affects ACVRL1 function (PMID: 14684682, 16282348). For these reasons, this variant has been classified as Pathogenic.

GeneDx
Classification: Pathogenic. Last evaluated: 2024-05-21. Review status: criteria provided, single submitter. Criteria: GeneDx Variant Classification Process June 2021. Collection method: clinical testing. Allele origin: germline. Affected: yes.
Comment: Not observed at significant frequency in large population cohorts (gnomAD); Published functional studies demonstrated that p.(C344Y) imparts a dominant-negative effect by suppressing the activity of wild-type ACVRL1 (PMID: 16282348); In silico analysis supports that this missense variant has a deleterious effect on protein structure/function; Different missense changes at this residue (p.(C344R) and p.(C344F)) have been reported in association with a ACVRL1-related phenotype in the published literature (PMID: 23124896, 12114496); This variant is associated with the following publications: (PMID: 14684682, 16470787, 17384219, 16542389, 17786384, 25970827, 15880681, 10767348, 12114496, 16540754, 29631995, 32503579, 32300199, 23124896, 16282348)

Mayo Clinic Laboratories, Mayo Clinic
Classification: Pathogenic. Last evaluated: 2023-06-13. Review status: criteria provided, single submitter. Criteria: ACMG Guidelines, 2015. Collection method: clinical testing. Allele origin: germline. Observed: 4 variant alleles.
Comment: PP1_moderate, PP3, PM1, PM2_supporting, PM5, PS3, PS4

ARUP Laboratories, Molecular Genetics and Genomics, ARUP Laboratories
Classification: Pathogenic for Telangiectasia, hereditary hemorrhagic, type 2. Last evaluated: 2023-06-12. Review status: criteria provided, single submitter. Criteria: ARUP Molecular Germline Variant Investigation Process 2024. Collection method: clinical testing. Allele origin: germline.
Comment: The ACVRL1 c.1031G>A; p.Cys344Tyr variant (rs28936688) has been reported in several individuals with HHT (Abdalla 2000, Bayrak-Toydemir 2004, Gedge 2007, Harrison 2003, Schulte 2005, Wehner 2006). This variant is also reported in ClinVar (Variation ID: 8254). It is absent from the Genome Aggregation Database, indicating it is not a common polymorphism. Computational analyses predict that this variant is pathogenic (REVEL: 0.929). Based on available information, this variant is considered to be pathogenic. References: Abdalla SA et al. Analysis of ALK-1 and endoglin in newborns from families with hereditary hemorrhagic telangiectasia type 2. Hum Mol Genet. 2000 May 1;9(8):1227-37. PMID: 10767348. Bayrak-Toydemir P et al. Hereditary hemorrhagic telangiectasia: an overview of diagnosis and management in the molecular era for clinicians. Genet Med. 2004 Jul-Aug;6(4):175-91. PMID: 15266205. Gedge F et al. Clinical and analytical sensitivities in hereditary hemorrhagic telangiectasia testing and a report of de novo mutations. J Mol Diagn. 2007 Apr;9(2):258-65. PMID: 17384219. Harrison RE et al. Molecular and functional analysis identifies ALK-1 as the predominant cause of pulmonary hypertension related to hereditary haemorrhagic telangiectasia. J Med Genet. 2003 Dec;40(12):865-71. PMID: 14684682. Schulte C et al. High frequency of ENG and ALK1/ACVRL1 mutations in German HHT patients. Hum Mutat. 2005 Jun;25(6):595. PMID: 15880681. Wehner LE et al. Mutation analysis in hereditary haemorrhagic telangiectasia in Germany reveals 11 novel ENG and 12 novel ACVRL1/ALK1 mutations. Clin Genet. 2006 Mar;69(3):239-45. PMID: 16542389.

New York Genome Center
Classification: Pathogenic for Telangiectasia, hereditary hemorrhagic, type 2. Last evaluated: 2021-10-23. Review status: criteria provided, single submitter. Criteria: NYGC Assertion Criteria 2020. Collection method: clinical testing. Allele origin: germline. Observed: 1 heterozygote. Study: CSER-NYCKidSeq.
Comment: The heterozygous missense variant c.1031G>A (p.Cys344Tyr) identified in the ACVRL1 gene is a well-known pathogenic variant that has been reported in multiple unrelated individuals and families affected with HHT2 [PMID: 10767348, 14684682, 15880681, 16540754, 16542389, 17384219, 12114496]. The variant is absent from the gnomAD(v3) database suggesting it is not a common benign variant in the populations represented in that database. The variant has been reported as Pathogenic in the ClinVar database by multiple independent laboratories (Variation ID: 8254). This variant affects a highly conserved residue (Cys344)located in the protein kinase domain of ACVRL1 and is predicted deleterious by multiple in silico prediction tools (CADD score = 34.0, REVEL score = 0.929). In vitro functional studies have shown that the p.Cys344Tyr variant results in abnormal ACVRL1 trafficking [PMID: 14684682, 16282348]. Based on the available evidence, the heterozygous c.1031G>A (p.Cys344Tyr) variant identified in the ACVRL1 gene is reported as Pathogenic.

Ambry Genetics
Classification: Pathogenic for Cardiovascular phenotype. Last evaluated: 2021-10-01. Review status: criteria provided, single submitter. Criteria: Ambry Variant Classification Scheme 2023. Collection method: clinical testing. Allele origin: germline.
Comment: The p.C344Y pathogenic mutation (also known as c.1031G>A), located in coding exon 6 of the ACVRL1 gene, results from a G to A substitution at nucleotide position 1031. The cysteine at codon 344 is replaced by tyrosine, an amino acid with highly dissimilar properties. This pathogenic mutation has been identified in multiple unrelated patients with hereditary hemorrhagic telangiectasia (Abdalla SA et al. Hum. Mol. Genet., 2000 May;9:1227-37; Harrison RE et al. J. Med. Genet., 2003 Dec;40:865-71; Schulte C et al. Hum. Mutat., 2005 Jun;25:595; Wehner LE et al. Clin. Genet., 2006 Mar;69:239-45; Gedge F et al. J Mol Diagn, 2007 Apr;9:258-65; Richards-Yutz J et al. Hum. Genet., 2010 Jul;128:61-77). ln vitro functional studies demonstrated this mutation had a dominant-negative effect on the normal protein and had reduced protein expression on the cell surface (Gu Y et al. Blood, 2006 Mar;107:1951-4). This variant is considered to be rare based on population cohorts in the Genome Aggregation Database (gnomAD). In addition, this alteration is predicted to be deleterious by BayesDel in silico analysis. Based on the supporting evidence, this alteration is interpreted as a disease-causing mutation.

Seattle Children's Hospital Molecular Genetics Laboratory, Seattle Children's Hospital
Classification: Pathogenic. Last evaluated: 2020-06-08. Review status: criteria provided, single submitter. Criteria: ACMG Guidelines, 2015. Collection method: clinical testing. Allele origin: unknown. Inheritance: Autosomal dominant inheritance. Affected: yes.
Comment: The p.Cys344Tyr substitutes the cysteine with tyrosine at position 344 of the protein. This variant has previously been reported as pathogenic in a clinically affected individual with HHT (PMID: 10767348; see patient H167). This variant has also been reported in two individuals with adult-onset pulmonary arterial hypertension (PAH); one with PAH related to HHT (PMID: 29631995; see patient FPPH110 and FPPH139-01). Further supporting pathogenicity, different missense changes at the same amino acid residue (p.Cys344Arg, p.Cys344Phe) have been reported as pathogenic (PMID: 19767588, PMID: 12114496 and others). The p.Cys344Tyr has not been documented in large population cohorts (0 of 246,970 alleles; Genome Aggregation Database v2.1). This is an evolutionary conserved amino acid and in silico tools predict this variant has a damaging effect.

Baylor Genetics
Classification: Pathogenic for Telangiectasia, hereditary hemorrhagic, type 2. Last evaluated: 2017-09-01. Review status: criteria provided, single submitter. Criteria: ACMG Guidelines, 2015. Collection method: clinical testing. Allele origin: germline. Inheritance: Autosomal dominant inheritance. Affected: yes.

OMIM
Classification: Pathogenic for TELANGIECTASIA, HEREDITARY HEMORRHAGIC, TYPE 2. Last evaluated: 2003-12-01. Review status: no assertion criteria provided. Collection method: literature only. Allele origin: germline. Not counted in ClinVar's aggregate classification.

OMIM
Classification: Pathogenic for PULMONARY ARTERIAL HYPERTENSION, HEREDITARY HEMORRHAGIC TELANGIECTASIA-RELATED. Last evaluated: 2003-12-01. Review status: no assertion criteria provided. Collection method: literature only. Allele origin: germline. Not counted in ClinVar's aggregate classification.

Literature cited by the submitters: PubMed 10767348 (cited by 7 submitters); PubMed 12114496 (cited by 4 submitters); PubMed 14684682 (cited by 6 submitters); PubMed 15880681 (cited by 4 submitters); PubMed 16540754 (cited by Labcorp Genetics (formerly Invitae), Labcorp and New York Genome Center); PubMed 16542389 (cited by 4 submitters); PubMed 17384219 (cited by 4 submitters); PubMed 16282348 (cited by 3 submitters); PubMed 29631995 (cited by Mayo Clinic Laboratories, Mayo Clinic and Seattle Children's Hospital Molecular Genetics Laboratory, Seattle Children's Hospital); PubMed 32300199 (cited by Mayo Clinic Laboratories, Mayo Clinic); PubMed 32503579 (cited by Mayo Clinic Laboratories, Mayo Clinic); PubMed 36993588 (cited by Mayo Clinic Laboratories, Mayo Clinic); PubMed 16752392 (cited by Ambry Genetics); PubMed 19767588 (cited by Seattle Children's Hospital Molecular Genetics Laboratory, Seattle Children's Hospital); PubMed 25326635 (cited by Baylor Genetics).